The following is an entry in ClinVar:

ClinVar aggregate classification (germline): Uncertain significance (1 of 4 stars; one submission).

Conditions:
Cardiac arrhythmia. Also called: Arrhythmia; Cardiac rhythm disease. Identifiers: MedGen C0003811, MONDO:0007263, HP:0011675.

Submission:

Color Diagnostics, LLC DBA Color Health
Classification: Uncertain significance for Cardiac arrhythmia. Last evaluated: 2025-08-30. Review status: criteria provided, single submitter. Criteria: ACMG Guidelines, 2015. Collection method: clinical testing. Allele origin: germline.
Comment: This missense variant replaces threonine with serine at codon 1091 of the KCNH2 protein. Computational prediction is inconclusive regarding the impact of this variant on protein structure and function. To our knowledge, functional studies have not been reported for this variant. This variant has not been reported in individuals affected with KCNH2-related disorders in the literature. This variant has not been identified in the general population by the Genome Aggregation Database (gnomAD). The available evidence is insufficient to determine the role of this variant in disease conclusively. Therefore, this variant is classified as a Variant of Uncertain Significance.

NM_000238.4(KCNH2):c.3271A>T (p.Thr1091Ser)

Gene: KCNH2 (potassium voltage-gated channel subfamily H member 2; minus strand). Cytogenetic location: 7q36.1.
Variant type: single nucleotide variant.
Coding change: c.3271A>T on transcript NM_000238.4 (MANE Select); coding-DNA position 3271, A replaced by T.
Protein change: p.Thr1091Ser; replaces threonine 1091 with serine.
Molecular consequence: missense variant. On other transcripts: non-coding transcript variant (2).
Genome position (GRCh38, 1-based): chr7:150,946,936, T>A on the plus strand (A>T on the coding strand, the complement: KCNH2 is on the minus strand). VCF-style: chr7-150946936-T-A. GRCh37 (hg19) VCF-style: chr7-150644024-T-A.
Other names: c.2983A>T, p.Thr995Ser (NM_001406753.1); c.2251A>T, p.Thr751Ser (NM_172057.3); short protein forms T1091S, T751S, T995S.
Identifiers: ClinVar variation 4757801 (VCV004757801.1).